The following is an entry in ClinVar:

NM_033026.6(PCLO):c.2338A>G (p.Ser780Gly)

Gene: PCLO (piccolo presynaptic cytomatrix protein; minus strand). Cytogenetic location: 7q21.11.
Variant type: single nucleotide variant.
Coding change: c.2338A>G on transcript NM_033026.6 (MANE Select); coding-DNA position 2338, A replaced by G.
Protein change: p.Ser780Gly; replaces serine 780 with glycine.
Molecular consequence: missense variant.
Genome position (GRCh38, 1-based): chr7:83,135,212, T>C on the plus strand (A>G on the coding strand, the complement: PCLO is on the minus strand). VCF-style: chr7-83135212-T-C. GRCh37 (hg19) VCF-style: chr7-82764528-T-C.
Other names: c.2338A>G (NM_033026.5); c.2338A>G, p.Ser780Gly (NM_014510.3); short protein forms S780G.
Identifiers: ClinVar variation 1444743 (VCV001444743.7), dbSNP rs754512452, ClinGen allele CA4321273.
Genomic context (GRCh38, chr7:83,135,212, plus strand): 5'-CAGAGTCTGTTTTTAGAGGAGGGGTTGTTTTCTCTTCAGCTTGTGACTGTACTTTGGAGC[T>C]TGGAATATCAGGTTTTGTTGTTGCTGATGATGAAGATACAAGGTCAGTGGTTGGCTTTAC-3'
Protein context (NP_149015.2, residues 770-790): SSATTKPDIP[Ser780Gly]SKVQSQAEEK

ClinVar aggregate classification (germline): Uncertain significance. Review status: criteria provided, multiple submitters, no conflicts (2 of 4 stars). 2 submissions from 2 submitters: Uncertain significance (2). Last evaluated 2025-12-21.

Conditions:
Inborn genetic diseases. Identifiers: MedGen C0950123, MeSH D030342.

Allele frequency attached by ClinVar (database versions not stated): gnomAD 0.00001; ExAC 0.00002; gnomAD exomes 0.00002; TOPMed 0.00002.
gnomAD v4.1: 31 of 1,613,750 alleles (0.0019%); highest among the groups gnomAD compares: Middle Eastern, 0.033%; 1 homozygote.

Submissions (2):

Labcorp Genetics (formerly Invitae), Labcorp
Classification: Uncertain significance. Last evaluated: 2025-12-21. Review status: criteria provided, single submitter. Criteria: Invitae Variant Classification Sherloc (09022015). Collection method: clinical testing. Allele origin: germline.
Comment: This sequence change replaces serine, which is neutral and polar, with glycine, which is neutral and non-polar, at codon 780 of the PCLO protein (p.Ser780Gly). This variant is present in population databases (rs754512452, gnomAD 0.004%). This variant has not been reported in the literature in individuals affected with PCLO-related conditions. ClinVar contains an entry for this variant (Variation ID: 1444743). An algorithm developed to predict the effect of missense changes on protein structure and function outputs the following: PolyPhen-2: "Not Available". The glycine amino acid residue is found in multiple mammalian species, which suggests that this missense change does not adversely affect protein function. In summary, the available evidence is currently insufficient to determine the role of this variant in disease. Therefore, it has been classified as a Variant of Uncertain Significance.

Ambry Genetics
Classification: Uncertain significance for Inborn genetic diseases. Last evaluated: 2024-08-27. Review status: criteria provided, single submitter. Criteria: Ambry Variant Classification Scheme 2023. Collection method: clinical testing. Allele origin: germline.